The following is an entry in ClinVar:

NM_000540.3(RYR1):c.3312G>A (p.Ala1104=)

Gene: RYR1 (ryanodine receptor 1; plus strand). Cytogenetic location: 19q13.2.
Variant type: single nucleotide variant.
Coding change: c.3312G>A on transcript NM_000540.3 (MANE Select); coding-DNA position 3312, G replaced by A.
Protein change: p.Ala1104=; no amino-acid change (alanine 1104 retained).
Molecular consequence: synonymous variant.
Genome position (GRCh38, 1-based): chr19:38,467,743, G>A. VCF-style: chr19-38467743-G-A. GRCh37 (hg19) VCF-style: chr19-38958383-G-A.
Other names: c.3312G>A, p.Ala1104= (NM_001042723.2).
Identifiers: ClinVar variation 384295 (VCV000384295.6), dbSNP rs1057521916, ClinGen allele CA16608136.

ClinVar aggregate classification (germline): Likely benign. Review status: criteria provided, multiple submitters, no conflicts (2 of 4 stars). 4 submissions from 4 submitters: Likely benign (4). Last evaluated 2025-07-08.

Conditions:
RYR1-related disorder. Also called: RYR1-related disorders; RYR1-related condition. Identifiers: MedGen CN239331.
Malignant hyperthermia, susceptibility to, 1 (MHS1). Also called: RYR1-Related Malignant Hyperthermia Susceptibility; Anesthesia related hyperthermia; Malignant hyperpyrexia; Fulminating hyperpyrexia; Pharmacogenic myopathy; Malignant hyperthermia suceptibility 1. Identifiers: Orphanet 423, MedGen C2930980, MONDO:0007783, OMIM 145600.

Allele frequency attached by ClinVar (database versions not stated): gnomAD exomes below 0.00001; TOPMed below 0.00001; gnomAD 0.00001.
gnomAD v4.1: 7 of 1,614,104 alleles (0.00043%); highest among the groups gnomAD compares: African/African-American, 0.004%; no homozygotes.

Submissions (4):

Labcorp Genetics (formerly Invitae), Labcorp
Classification: Likely benign for RYR1-related disorder. Last evaluated: 2025-07-08. Review status: criteria provided, single submitter. Criteria: Invitae Variant Classification Sherloc (09022015). Collection method: clinical testing. Allele origin: germline.

All of Us Research Program, National Institutes of Health
Classification: Likely benign for Malignant hyperthermia, susceptibility to, 1. Last evaluated: 2024-04-10. Review status: criteria provided, single submitter. Criteria: ACMG Guidelines, 2015. Collection method: clinical testing. Allele origin: germline. Inheritance: Autosomal dominant inheritance. Observed: 1 variant allele, 1 heterozygote.
Comment: This study involves interpretation of variants in research participants for the purpose of population health screening. Participant phenotype was not available at the time of variant classification. Additional details can be found in publication PMID: 35346344, PMCID: PMC8962531

Color Diagnostics, LLC DBA Color Health
Classification: Likely benign for Malignant hyperthermia, susceptibility to, 1. Last evaluated: 2022-05-03. Review status: criteria provided, single submitter. Criteria: ACMG Guidelines, 2015. Collection method: clinical testing. Allele origin: germline.

GeneDx
Classification: Likely benign. Last evaluated: 2016-03-11. Review status: criteria provided, single submitter. Criteria: GeneDx Variant Classification (06012015). Collection method: clinical testing. Allele origin: germline. Affected: yes.
Comment: This variant is considered likely benign or benign based on one or more of the following criteria: it is a conservative change, it occurs at a poorly conserved position in the protein, it is predicted to be benign by multiple in silico algorithms, and/or has population frequency not consistent with disease.